The following is an entry in ClinVar:

NM_001321075.3(DLG4):c.743A>G (p.Asn248Ser)

Gene: DLG4 (discs large MAGUK scaffold protein 4; minus strand). Cytogenetic location: 17p13.1.
Variant type: single nucleotide variant.
Coding change: c.743A>G on transcript NM_001321075.3 (MANE Select); coding-DNA position 743, A replaced by G.
Protein change: p.Asn248Ser; replaces asparagine 248 with serine.
Molecular consequence: missense variant. On other transcripts: non-coding transcript variant (1).
Genome position (GRCh38, 1-based): chr17:7,202,947, T>C on the plus strand (A>G on the coding strand, the complement: DLG4 is on the minus strand). VCF-style: chr17-7202947-T-C. GRCh37 (hg19) VCF-style: chr17-7106266-T-C.
Other names: c.734A>G, p.Asn245Ser (NM_001128827.4); c.863A>G, p.Asn288Ser (NM_001321074.1); c.563A>G, p.Asn188Ser (NM_001321076.3, NM_001321077.3); c.872A>G, p.Asn291Ser (NM_001365.5); c.662A>G, p.Asn221Ser (NM_001369566.3); short protein forms N245S, N291S, N221S, N288S, N188S, N248S.
Identifiers: ClinVar variation 4839885 (VCV004839885.1).
Genomic context (GRCh38, chr17:7,202,947, plus strand): 5'-TTTGAAGGGCTCTCACAGGTTGTGATGTCTGGGGGAGCATAGCTGTCACTCAGGTAGGCA[T>C]TGCTGGGCTTGGCCACCTTTAGGTAGACAACATCATACGTGTTCTTCAGGGCTGCCACAG-3'
Protein context (NP_001308004.1, residues 238-258): VVYLKVAKPS[Asn248Ser]AYLSDSYAPP

ClinVar aggregate classification (germline): Uncertain significance (1 of 4 stars; one submission).

Conditions:
Inborn genetic diseases. Identifiers: MedGen C0950123, MeSH D030342.

Submission:

Ambry Genetics
Classification: Uncertain significance for Inborn genetic diseases. Last evaluated: 2026-02-16. Review status: criteria provided, single submitter. Criteria: Ambry Variant Classification Scheme 2023. Collection method: clinical testing. Allele origin: germline.
Comment: The c.872A>G (p.N291S) alteration is located in exon 10 (coding exon 10) of the DLG4 gene. This alteration results from a A to G substitution at nucleotide position 872, causing the asparagine (N) at amino acid position 291 to be replaced by a serine (S). Based on data from gnomAD, the G allele has an overall frequency of <0.001% (1/249274) total alleles studied. The highest observed frequency was 0.003% (1/34526) of Latino alleles. Based on insufficient or conflicting evidence, the clinical significance of this alteration remains unclear.